The following is an entry in ClinVar:

ClinVar aggregate classification (germline): Uncertain significance (1 of 4 stars; one submission).

Conditions:
Inborn genetic diseases. Identifiers: MedGen C0950123, MeSH D030342.

Allele frequency attached by ClinVar (database versions not stated): gnomAD exomes below 0.00001.

Submission:

Ambry Genetics
Classification: Uncertain significance for Inborn genetic diseases. Last evaluated: 2023-09-24. Review status: criteria provided, single submitter. Criteria: Ambry Variant Classification Scheme 2023. Collection method: clinical testing. Allele origin: germline.
Comment: The p.A2286S variant (also known as c.6856G>T), located in coding exon 47 of the LRRK2 gene, results from a G to T substitution at nucleotide position 6856. The alanine at codon 2286 is replaced by serine, an amino acid with similar properties. This amino acid position is conserved. In addition, this alteration is predicted to be tolerated by in silico analysis. Since supporting evidence is limited at this time, the clinical significance of this alteration remains unclear.

NM_198578.4(LRRK2):c.6856G>T (p.Ala2286Ser)

Gene: LRRK2 (leucine rich repeat kinase 2; plus strand). Cytogenetic location: 12q12.
Variant type: single nucleotide variant.
Coding change: c.6856G>T on transcript NM_198578.4 (MANE Select); coding-DNA position 6856, G replaced by T.
Protein change: p.Ala2286Ser; replaces alanine 2286 with serine.
Molecular consequence: missense variant.
Genome position (GRCh38, 1-based): chr12:40,359,272, G>T. VCF-style: chr12-40359272-G-T. GRCh37 (hg19) VCF-style: chr12-40753074-G-T.
Other names: short protein forms A2286S.
Identifiers: ClinVar variation 1755813 (VCV001755813.2), dbSNP rs763432323, ClinGen allele CA235357223.
Genomic context (GRCh38, chr12:40,359,272, plus strand): 5'-TGTGGATACTCAATTTGCTGAGTGTGTTTTCTTTTTTTTTTGGCAAAGCTTAAAGGAGCT[G>T]CTCCTTTGAAGATACTAAATATAGGAAATGTCAGTACTCCATTGATGTGTTTGAGTGAAT-3'
Protein context (NP_940980.4, residues 2276-2296): EDKTVKLKGA[Ala2286Ser]PLKILNIGNV